The following is an entry in ClinVar:

NM_001113491.2(SEPTIN9):c.175T>C (p.Ser59Pro)

Gene: SEPTIN9 (septin 9; plus strand). Cytogenetic location: 17q25.3.
Variant type: single nucleotide variant.
Coding change: c.175T>C on transcript NM_001113491.2 (MANE Select); coding-DNA position 175, T replaced by C.
Protein change: p.Ser59Pro; replaces serine 59 with proline.
Molecular consequence: missense variant. On other transcripts: 5 prime UTR variant (2).
Genome position (GRCh38, 1-based): chr17:77,402,157, T>C. VCF-style: chr17-77402157-T-C. GRCh37 (hg19) VCF-style: chr17-75398239-T-C.
Other names: c.-318T>C (NM_001113492.2, NM_001113494.1); c.154T>C, p.Ser52Pro (NM_001113493.2); c.118T>C, p.Ser40Pro (NM_001293695.2); c.121T>C, p.Ser41Pro (NM_006640.5); short protein forms S40P, S41P, S52P, S59P.
Identifiers: ClinVar variation 1682578 (VCV001682578.5), dbSNP rs1034935011, ClinGen allele CA294282760.
Genomic context (GRCh38, chr17:77,402,157, plus strand): 5'-CCCAACTCCACCCCACCCCGGAGGGTCCAGACTCCCCTACTCCGAGCCACTGTGGCCAGC[T>C]CCACCCAGAAATTCCAGGACCTGGGCGTGAAGAACTCAGAACCCTCGGCCCGCCATGTGG-3'
Protein context (NP_001106963.1, residues 49-69): TPLLRATVAS[Ser59Pro]TQKFQDLGVK

ClinVar aggregate classification (germline): Uncertain significance (1 of 4 stars; one submission).

Allele frequency attached by ClinVar (database versions not stated): gnomAD exomes below 0.00001; TOPMed below 0.00001.
gnomAD v4.1: 2 of 1,613,672 alleles (0.00012%); highest among the groups gnomAD compares: African/African-American, 0.0027%; no homozygotes.

Submission:

Labcorp Genetics (formerly Invitae), Labcorp
Classification: Uncertain significance. Last evaluated: 2025-09-02. Review status: criteria provided, single submitter. Criteria: Invitae Variant Classification Sherloc (09022015). Collection method: clinical testing. Allele origin: germline.
Comment: This sequence change replaces serine, which is neutral and polar, with proline, which is neutral and non-polar, at codon 41 of the SEPT9 protein (p.Ser41Pro). This variant is not present in population databases (gnomAD no frequency). This variant has not been reported in the literature in individuals affected with SEPT9-related conditions. ClinVar contains an entry for this variant (Variation ID: 1682578). Invitae Evidence Modeling of protein sequence and biophysical properties (such as structural, functional, and spatial information, amino acid conservation, physicochemical variation, residue mobility, and thermodynamic stability) indicates that this missense variant is not expected to disrupt SEPT9 protein function with a negative predictive value of 80%. In summary, the available evidence is currently insufficient to determine the role of this variant in disease. Therefore, it has been classified as a Variant of Uncertain Significance.